The following is an entry in ClinVar:

NM_000081.4(LYST):c.4893T>C (p.Leu1631=)

Gene: LYST (lysosomal trafficking regulator; minus strand). Cytogenetic location: 1q42.3.
Variant type: single nucleotide variant.
Coding change: c.4893T>C on transcript NM_000081.4 (MANE Select); coding-DNA position 4893, T replaced by C.
Protein change: p.Leu1631=; no amino-acid change (leucine 1631 retained).
Molecular consequence: synonymous variant.
Genome position (GRCh38, 1-based): chr1:235,782,057, A>G on the plus strand (T>C on the coding strand, the complement: LYST is on the minus strand). VCF-style: chr1-235782057-A-G. GRCh37 (hg19) VCF-style: chr1-235945357-A-G.
Other names: c.4893T>C, p.Leu1631= (NM_001301365.1).
Identifiers: ClinVar variation 1630878 (VCV001630878.33), dbSNP rs766507211, ClinGen allele CA1466731.

ClinVar aggregate classification (germline): Likely benign. Review status: criteria provided, multiple submitters, no conflicts (2 of 4 stars). 3 submissions from 3 submitters: Likely benign (3). Last evaluated 2025-11-23.

Conditions:
Chédiak-Higashi syndrome (CHS). Also called: Chediak-Higashi Syndrome. Identifiers: Orphanet 167, MedGen C0007965, MONDO:0008963, OMIM 214500.

Allele frequency attached by ClinVar (database versions not stated): gnomAD 0.00001; gnomAD exomes 0.00001; ExAC 0.00004; TOPMed 0.00006.
gnomAD v4.1: 21 of 1,613,004 alleles (0.0013%); highest among the groups gnomAD compares: East Asian, 0.047%; no homozygotes.

Submissions (3):

Labcorp Genetics (formerly Invitae), Labcorp
Classification: Likely benign for Chédiak-Higashi syndrome. Last evaluated: 2025-11-23. Review status: criteria provided, single submitter. Criteria: Invitae Variant Classification Sherloc (09022015). Collection method: clinical testing. Allele origin: germline.

Blueprint Genetics
Classification: Likely benign. Last evaluated: 2024-03-06. Review status: criteria provided, single submitter. Criteria: ACMG Guidelines, 2015. Collection method: clinical testing. Allele origin: germline.

CeGaT Center for Human Genetics Tuebingen
Classification: Likely benign. Last evaluated: 2023-02-01. Review status: criteria provided, single submitter. Criteria: CeGaT Center For Human Genetics Tuebingen Variant Classification Criteria Version 2. Collection method: clinical testing. Allele origin: germline. Affected: yes. Observed: 1 variant allele.
Comment: LYST: BP4, BP7